The following is an entry in ClinVar:

NM_001378454.1(ALMS1):c.68A>C (p.Glu23Ala)

Gene: ALMS1 (ALMS1 centrosome and basal body associated protein; plus strand). Cytogenetic location: 2p13.1.
Variant type: single nucleotide variant.
Coding change: c.68A>C on transcript NM_001378454.1 (MANE Select); coding-DNA position 68, A replaced by C.
Protein change: p.Glu23Ala; replaces glutamic acid 23 with alanine.
Molecular consequence: missense variant.
Genome position (GRCh38, 1-based): chr2:73,385,936, A>C. VCF-style: chr2-73385936-A-C. GRCh37 (hg19) VCF-style: chr2-73613064-A-C.
Other names: c.71A>C, p.Glu24Ala (NM_015120.4); short protein forms E23A, E24A.
Identifiers: ClinVar variation 2626210 (VCV002626210.2), dbSNP rs2465970389, ClinGen allele CA347250536.

ClinVar aggregate classification (germline): Uncertain significance (1 of 4 stars; one submission).

Conditions:
Cardiovascular phenotype. Identifiers: MedGen CN230736.

Submission:

Ambry Genetics
Classification: Uncertain significance for Cardiovascular phenotype. Last evaluated: 2023-09-14. Review status: criteria provided, single submitter. Criteria: Ambry Variant Classification Scheme 2023. Collection method: clinical testing. Allele origin: germline.
Comment: The p.E24A variant (also known as c.71A>C), located in coding exon 1 of the ALMS1 gene, results from an A to C substitution at nucleotide position 71. The glutamic acid at codon 24 is replaced by alanine, an amino acid with dissimilar properties. This amino acid position is not well conserved in available vertebrate species. In addition, this alteration is predicted to be tolerated by in silico analysis. Since supporting evidence is limited at this time, the clinical significance of this alteration remains unclear.